The following is an entry in ClinVar:

ClinVar aggregate classification (germline): Uncertain significance. Review status: criteria provided, multiple submitters, no conflicts (2 of 4 stars). 2 submissions from 2 submitters: Uncertain significance (2). Last evaluated 2025-01-18.

Conditions:
Inborn genetic diseases. Identifiers: MedGen C0950123, MeSH D030342.

Allele frequency attached by ClinVar (database versions not stated): gnomAD exomes below 0.00001; ExAC 0.00001; TOPMed 0.00001.
gnomAD v4.1: 2 of 1,609,862 alleles (0.00012%); highest among the groups gnomAD compares: Admixed American, 0.0033%; no homozygotes.

Submissions (2):

Ambry Genetics
Classification: Uncertain significance for Inborn genetic diseases. Last evaluated: 2025-01-18. Review status: criteria provided, single submitter. Criteria: Ambry Variant Classification Scheme 2023. Collection method: clinical testing. Allele origin: germline.

Labcorp Genetics (formerly Invitae), Labcorp
Classification: Uncertain significance. Last evaluated: 2022-03-26. Review status: criteria provided, single submitter. Criteria: Invitae Variant Classification Sherloc (09022015). Collection method: clinical testing. Allele origin: germline.
Comment: In summary, the available evidence is currently insufficient to determine the role of this variant in disease. Therefore, it has been classified as a Variant of Uncertain Significance. Algorithms developed to predict the effect of missense changes on protein structure and function are either unavailable or do not agree on the potential impact of this missense change (SIFT: "Deleterious"; PolyPhen-2: "Benign"; Align-GVGD: "Class C15"). This variant has not been reported in the literature in individuals affected with MEOX1-related conditions. This variant is present in population databases (rs768680791, gnomAD 0.006%). This sequence change replaces asparagine, which is neutral and polar, with lysine, which is basic and polar, at codon 93 of the MEOX1 protein (p.Asn93Lys).

NM_004527.4(MEOX1):c.279C>A (p.Asn93Lys)

Gene: MEOX1 (mesenchyme homeobox 1; minus strand). Cytogenetic location: 17q21.31.
Variant type: single nucleotide variant.
Coding change: c.279C>A on transcript NM_004527.4 (MANE Select); coding-DNA position 279, C replaced by A.
Protein change: p.Asn93Lys; replaces asparagine 93 with lysine.
Molecular consequence: missense variant. On other transcripts: 5 prime UTR variant (1).
Genome position (GRCh38, 1-based): chr17:43,661,256, G>T on the plus strand (C>A on the coding strand, the complement: MEOX1 is on the minus strand). VCF-style: chr17-43661256-G-T. GRCh37 (hg19) VCF-style: chr17-41738624-G-T.
Other names: c.-67C>A (NM_001040002.2); c.279C>A, p.Asn93Lys (NM_013999.4); c.279C>A (NM_004527.3); short protein forms N93K.
Identifiers: ClinVar variation 1959044 (VCV001959044.4), dbSNP rs768680791, ClinGen allele CA8592669.